The following is an entry in ClinVar:

ClinVar aggregate classification (germline): Benign/Likely benign. Review status: criteria provided, multiple submitters, no conflicts (2 of 4 stars). 3 submissions from 3 submitters: Benign (2); Likely benign (1). Last evaluated 2026-02-01.

Submissions (3):

Labcorp Genetics (formerly Invitae), Labcorp
Classification: Benign. Last evaluated: 2026-02-01. Review status: criteria provided, single submitter. Criteria: Invitae Variant Classification Sherloc (09022015). Collection method: clinical testing. Allele origin: germline.

Blueprint Genetics
Classification: Likely benign. Last evaluated: 2024-11-26. Review status: criteria provided, single submitter. Criteria: ACMG Guidelines, 2015. Collection method: clinical testing. Allele origin: germline.

Women's Health and Genetics/Laboratory Corporation of America, LabCorp
Classification: Benign. Last evaluated: 2023-10-18. Review status: criteria provided, single submitter. Criteria: LabCorp Variant Classification Summary - May 2015. Collection method: clinical testing. Allele origin: germline.
Comment: Variant summary: TENT5A c.87_131dup45 (p.Asp31_Gly45dup) results in an in-frame duplication that is predicted to duplicate 15 amino acids into the encoded protein. The variant allele was found at a frequency of 0.0075 in 139628 control chromosomes, predominantly at a frequency of 0.01 within the Non-Finnish European subpopulation in the gnomAD 3.0 database, including 24 homozygotes. To the best of our knowledge, c.87_131dup45 has been not reported in the literature in individuals affected with Osteogenesis Imperfecta, Type 18. A case-control study of tuberculosis reported this variant insignificantly distributed in both case and control cohorts (Etokebe_TENT5A_PLosOne_2014). To our knowledge, no experimental evidence demonstrating an impact on protein function has been reported. The following publication have been ascertained in the context of this evaluation (PMID: 24625963). One submitter has cited clinical-significance assessments for this variant to ClinVar after 2014 and has classified the variant as benign. Based on the evidence outlined above, the variant was classified as benign.

Literature cited by the submitters: PubMed 24625963 (cited by Women's Health and Genetics/Laboratory Corporation of America, LabCorp).

NM_017633.3(TENT5A):c.72CGGCGACTTCGGCGG[7] (p.26DFGGG[7])

Gene: TENT5A (terminal nucleotidyltransferase 5A; minus strand). Cytogenetic location: 6q14.1.
Variant type: Microsatellite.
Coding change: c.72CGGCGACTTCGGCGG[7] on transcript NM_017633.3 (MANE Select); seven copies in a row of the 15-base unit CGGCGACTTCGGCGG starting at c.72; the reference has four copies in a row; three copies, 45 bases duplicated.
Protein change: p.26DFGGG[7].
Molecular consequence: inframe insertion.
Genome position (GRCh38, 1-based): chr6:81,752,011-81,752,055, 45 bases duplicated; duplicating any 45 consecutive bases within chr6:81,752,011-81,752,072 gives the same sequence; the position shown is the placement nearest the transcript's 3' end. GRCh37 (hg19), VCF-style position (the base before the change): chr6:82,461,727.
Other names: c.87_131dup45 (NM_017633.3).
Identifiers: ClinVar variation 1164377 (VCV001164377.10), dbSNP rs754008809, ClinGen allele CA568601215.